The following is an entry in ClinVar:

ClinVar aggregate classification (germline): Uncertain significance (1 of 4 stars; one submission).

Conditions:
Mitochondrial complex II deficiency, nuclear type 1. Also called: SUCCINATE CoQ REDUCTASE DEFICIENCY. Identifiers: Orphanet 3208, MedGen C5700310, MONDO:0100294, OMIM 252011.
Pheochromocytoma/paraganglioma syndrome 5. Also called: Paragangliomas 5; SDHA-Related Hereditary Paraganglioma-Pheochromocytoma Syndrome. Identifiers: Orphanet 29072, MedGen C3279992, MONDO:0013602, OMIM 614165.

Allele frequency attached by ClinVar (database versions not stated): gnomAD exomes below 0.00001.
gnomAD v4.1: 1 of 1,446,162 alleles (0.000069%); highest among the groups gnomAD compares: Non-Finnish European, 0.00009%; no homozygotes.

Submission:

Labcorp Genetics (formerly Invitae), Labcorp
Classification: Uncertain significance for Pheochromocytoma/paraganglioma syndrome 5; Mitochondrial complex II deficiency, nuclear type 1. Last evaluated: 2022-10-15. Review status: criteria provided, single submitter. Criteria: Invitae Variant Classification Sherloc (09022015). Collection method: clinical testing. Allele origin: germline.
Comment: This variant is not present in population databases (gnomAD no frequency). This variant has not been reported in the literature in individuals affected with SDHA-related conditions. This sequence change replaces arginine, which is basic and polar, with leucine, which is neutral and non-polar, at codon 15 of the SDHA protein (p.Arg15Leu). In summary, the available evidence is currently insufficient to determine the role of this variant in disease. Therefore, it has been classified as a Variant of Uncertain Significance. Advanced modeling of protein sequence and biophysical properties (such as structural, functional, and spatial information, amino acid conservation, physicochemical variation, residue mobility, and thermodynamic stability) performed at Invitae indicates that this missense variant is not expected to disrupt SDHA protein function.

NM_004168.4(SDHA):c.44G>T (p.Arg15Leu)

Gene: SDHA (succinate dehydrogenase complex flavoprotein subunit A; plus strand). Cytogenetic location: 5p15.33.
Variant type: single nucleotide variant.
Coding change: c.44G>T on transcript NM_004168.4 (MANE Select); coding-DNA position 44, G replaced by T.
Protein change: p.Arg15Leu; replaces arginine 15 with leucine.
Molecular consequence: missense variant.
Genome position (GRCh38, 1-based): chr5:218,399, G>T. VCF-style: chr5-218399-G-T. GRCh37 (hg19) VCF-style: chr5-218514-G-T.
Other names: c.44G>T, p.Arg15Leu (NM_001294332.2, NM_001330758.2); short protein forms R15L.
Identifiers: ClinVar variation 1721670 (VCV001721670.6), dbSNP rs1060503707, ClinGen allele CA359007376.